The following is an entry in ClinVar:

ClinVar aggregate classification (germline): Uncertain significance (1 of 4 stars; one submission).

Submission:

Ambry Genetics
Classification: Uncertain significance. Last evaluated: 2026-08-18. Review status: criteria provided, single submitter. Criteria: Ambry Variant Classification Scheme 2023. Collection method: clinical testing. Allele origin: germline.
Comment: The p.P1402T variant (also known as c.4204C>A), located in coding exon 11 of the MLH3 gene, results from a C to A substitution at nucleotide position 4204. The proline at codon 1402 is replaced by threonine, an amino acid with highly similar properties. This amino acid position is highly conserved in available vertebrate species. In addition, the in silico prediction for this alteration is inconclusive. Based on the available evidence, the clinical significance of this variant remains unclear.

NM_001040108.2(MLH3):c.4204C>A (p.Pro1402Thr)

Gene: MLH3 (mutL homolog 3; minus strand). Cytogenetic location: 14q24.3.
Variant type: single nucleotide variant.
Coding change: c.4204C>A on transcript NM_001040108.2 (MANE Select); coding-DNA position 4204, C replaced by A.
Protein change: p.Pro1402Thr; replaces proline 1402 with threonine.
Molecular consequence: missense variant.
Genome position (GRCh38, 1-based): chr14:75,018,867, G>T on the plus strand (C>A on the coding strand, the complement: MLH3 is on the minus strand). VCF-style: chr14-75018867-G-T. GRCh37 (hg19) VCF-style: chr14-75485570-G-T.
Other names: c.4132C>A, p.Pro1378Thr (NM_014381.3); short protein forms P1402T, P1378T.
Identifiers: ClinVar variation 5024548 (VCV005024548.1).